The following is an entry in ClinVar:

NM_005236.3(ERCC4):c.2624A>G (p.Glu875Gly)

Gene: ERCC4 (ERCC excision repair 4, endonuclease catalytic subunit; plus strand). Cytogenetic location: 16p13.12.
Variant type: single nucleotide variant.
Coding change: c.2624A>G on transcript NM_005236.3 (MANE Select); coding-DNA position 2624, A replaced by G.
Protein change: p.Glu875Gly; replaces glutamic acid 875 with glycine.
Molecular consequence: missense variant.
Genome position (GRCh38, 1-based): chr16:13,948,220, A>G. VCF-style: chr16-13948220-A-G. GRCh37 (hg19) VCF-style: chr16-14042077-A-G.
Other names: short protein forms E875G.
Identifiers: ClinVar variation 129008 (VCV000129008.29), dbSNP rs1800124, ClinGen allele CA152759.
Genomic context (GRCh38, chr16:13,948,220, plus strand): 5'-TGCCAGGGGTGAATGCCAAAAACTGCCGCTCCTTGATGCACCACGTTAAGAACATCGCAG[A>G]ATTAGCAGCCCTGTCACAAGACGAGCTCACGAGTATTCTGGGGAATGCTGCAAATGCCAA-3'
Protein context (NP_005227.1, residues 865-885): SLMHHVKNIA[Glu875Gly]LAALSQDELT

ClinVar aggregate classification (germline): Benign/Likely benign. Review status: criteria provided, multiple submitters, no conflicts (2 of 4 stars). 15 submissions from 15 submitters: Benign (6); Likely benign (5). 4 of the submissions do not count toward it. Last evaluated 2026-02-04.

Conditions:
Hereditary cancer-predisposing syndrome. Also called: Tumor predisposition; Hereditary neoplastic syndrome; Neoplastic Syndromes, Hereditary; Hereditary Cancer Syndrome. Identifiers: Orphanet 140162, MedGen C0027672, MeSH D009386, MONDO:0015356.
Xeroderma pigmentosum, group F (XPF). Also called: XERODERMA PIGMENTOSUM, TYPE F; Xeroderma pigmentosum, type 6; XERODERMA PIGMENTOSUM VI; XP, GROUP F; XERODERMA PIGMENTOSUM, COMPLEMENTATION GROUP F; ERCC4-Related Xeroderma Pigmentosum. Identifiers: MedGen C0268140, MONDO:0010215, OMIM 278760.
Cockayne syndrome. Identifiers: Orphanet 191, MedGen C0009207, MONDO:0016006.
Fanconi anemia complementation group Q. Identifiers: Orphanet 84, MedGen C3808988, MONDO:0014108, OMIM 615272.

Allele frequency attached by ClinVar (database versions not stated): 1000 Genomes Project 30x 0.00547; 1000 Genomes Project 0.00579; TOPMed 0.01175; gnomAD 0.01182 and 0.01216; ESP Exome Variant Server 0.01301; ExAC 0.01311; gnomAD exomes 0.01330.
gnomAD v4.1: 24,709 of 1,614,176 alleles (1.5%); highest among the groups gnomAD compares: Non-Finnish European, 1.8%; 255 homozygotes.

Submissions (15):

Labcorp Genetics (formerly Invitae), Labcorp
Classification: Benign for Fanconi anemia complementation group Q; Xeroderma pigmentosum, group F; Cockayne syndrome. Last evaluated: 2026-02-04. Review status: criteria provided, single submitter. Criteria: Invitae Variant Classification Sherloc (09022015). Collection method: clinical testing. Allele origin: germline.

Mayo Clinic Laboratories, Mayo Clinic
Classification: Likely benign. Last evaluated: 2025-09-16. Review status: criteria provided, single submitter. Criteria: ACMG Guidelines, 2015. Collection method: clinical testing. Allele origin: germline. Observed: 1 variant allele.
Comment: BS1, BP4

ARUP Laboratories, Molecular Genetics and Genomics, ARUP Laboratories
Classification: Benign. Last evaluated: 2025-04-15. Review status: criteria provided, single submitter. Criteria: ARUP Molecular Germline Variant Investigation Process 2024. Collection method: clinical testing. Allele origin: germline.

Blueprint Genetics
Classification: Likely benign. Last evaluated: 2024-11-27. Review status: criteria provided, single submitter. Criteria: ACMG Guidelines, 2015. Collection method: clinical testing. Allele origin: germline.

KCCC/NGS Laboratory, Kuwait Cancer Control Center
Classification: Benign for Xeroderma pigmentosum, group F. Last evaluated: 2023-07-07. Review status: criteria provided, single submitter. Criteria: ACMG Guidelines, 2015. Collection method: clinical testing. Allele origin: germline. Affected: yes.

GeneDx
Classification: Benign. Last evaluated: 2019-04-01. Review status: criteria provided, single submitter. Criteria: GeneDx Variant Classification Process June 2021. Collection method: clinical testing. Allele origin: germline. Affected: yes.
Comment: This variant is associated with the following publications: (PMID: 28051113, 17419091, 24728327, 20061190, 22374244, 15886521, 10479728, 24465539, 18767034, 28690523, 19626602, 24704021, 24004570)

Illumina Laboratory Services, Illumina
Classification: Benign for Xeroderma pigmentosum, group F. Last evaluated: 2017-04-27. Review status: criteria provided, single submitter. Criteria: ICSL Variant Classification Criteria 13 December 2019. Collection method: clinical testing. Allele origin: germline.
Comment: This variant was observed as part of a predisposition screen in an ostensibly healthy population. A literature search was performed for the gene, cDNA change, and amino acid change (where applicable). Publications were found based on this search. The evidence from the literature, in combination with allele frequency data from public databases where available, was sufficient to rule this variant out of causing disease. Therefore, this variant is classified as benign.

Vantari Genetics
Classification: Likely benign for Hereditary cancer-predisposing syndrome. Last evaluated: 2015-12-11. Review status: criteria provided, single submitter. Criteria: ACMG Guidelines, 2015. Collection method: clinical testing. Allele origin: germline.

Center for Pediatric Genomic Medicine, Children's Mercy Hospital and Clinics
Classification: Likely benign. Last evaluated: 2015-08-17. Review status: criteria provided, single submitter. Criteria: ACMG Guidelines, 2015. Collection method: clinical testing. Allele origin: germline.
ClinVar note: Converted during submission from Likely Benign to Likely benign.

Breakthrough Genomics
Classification: Likely benign. Review status: criteria provided, single submitter. Criteria: ACMG Guidelines, 2015. Collection method: not provided. Allele origin: germline. Inheritance: Autosomal recessive inheritance. Affected: yes.

PreventionGenetics, part of Exact Sciences
Classification: Benign. Review status: criteria provided, single submitter. Criteria: ACMG Guidelines, 2015. Collection method: clinical testing. Allele origin: germline.

ITMI
No classification provided. Condition: AllHighlyPenetrant. Last evaluated: 2013-09-19. Review status: no classification provided. Collection method: reference population. Allele origin: germline. Not counted in ClinVar's aggregate classification.
Comment: Please see associated publication for description of ethnicities

Genetic Services Laboratory, University of Chicago
Classification: Likely benign for AllHighlyPenetrant. Review status: no assertion criteria provided. Collection method: clinical testing. Allele origin: germline. Inheritance: Autosomal recessive inheritance. Not counted in ClinVar's aggregate classification.
Comment: Likely benign based on allele frequency in 1000 Genomes Project or ESP global frequency and its presence in a patient with a rare or unrelated disease phenotype. NOT Sanger confirmed.

Genome Diagnostics Laboratory, Amsterdam University Medical Center
Classification: Benign. Review status: no assertion criteria provided. Collection method: clinical testing. Allele origin: germline. Affected: yes. Study: VKGL Data-share Consensus. Not counted in ClinVar's aggregate classification.

Laboratory of Diagnostic Genome Analysis, Leiden University Medical Center (LUMC)
Classification: Likely benign. Review status: no assertion criteria provided. Collection method: clinical testing. Allele origin: germline. Affected: yes. Study: VKGL Data-share Consensus. Not counted in ClinVar's aggregate classification.

Literature cited by the submitters: PubMed 24004570 (cited by Illumina Laboratory Services, Illumina); PubMed 18767034 (cited by Illumina Laboratory Services, Illumina); PubMed 23407396 (cited by Illumina Laboratory Services, Illumina); PubMed 24465539 (cited by Illumina Laboratory Services, Illumina); PubMed 24728327 (cited by Illumina Laboratory Services, Illumina and ITMI).